The following is an entry in ClinVar:

NM_015650.4(IFT54):c.1378C>T (p.Arg460Trp)

Gene: IFT54 (intraflagellar transport 54; plus strand). Cytogenetic location: 2q37.3.
Variant type: single nucleotide variant.
Coding change: c.1378C>T on transcript NM_015650.4 (MANE Select); coding-DNA position 1378, C replaced by T.
Protein change: p.Arg460Trp; replaces arginine 460 with tryptophan.
Molecular consequence: missense variant.
Genome position (GRCh38, 1-based): chr2:238,349,335, C>T. VCF-style: chr2-238349335-C-T. GRCh37 (hg19) VCF-style: chr2-239257976-C-T.
Other names: c.1180C>T, p.Arg394Trp (NM_001139490.1); short protein forms R394W, R460W.
Identifiers: ClinVar variation 1017500 (VCV001017500.7), dbSNP rs1300880230, ClinGen allele CA351232232.

ClinVar aggregate classification (germline): Uncertain significance. Review status: criteria provided, multiple submitters, no conflicts (2 of 4 stars). 3 submissions from 3 submitters: Uncertain significance (3). Last evaluated 2023-06-22.

Allele frequency attached by ClinVar (database versions not stated): gnomAD exomes 0.00001; gnomAD 0.00005; TOPMed 0.00003.
gnomAD v4.1: 69 of 1,613,970 alleles (0.0043%); highest among the groups gnomAD compares: Non-Finnish European, 0.0053%; no homozygotes.

Submissions (3):

GeneDx
Classification: Uncertain significance. Last evaluated: 2023-06-22. Review status: criteria provided, single submitter. Criteria: GeneDx Variant Classification Process June 2021. Collection method: clinical testing. Allele origin: germline. Affected: yes.
Comment: In silico analysis supports that this missense variant has a deleterious effect on protein structure/function; Has not been previously published as pathogenic or benign to our knowledge

Labcorp Genetics (formerly Invitae), Labcorp
Classification: Uncertain significance. Last evaluated: 2022-10-17. Review status: criteria provided, single submitter. Criteria: Invitae Variant Classification Sherloc (09022015). Collection method: clinical testing. Allele origin: germline.
Comment: This sequence change replaces arginine, which is basic and polar, with tryptophan, which is neutral and slightly polar, at codon 460 of the TRAF3IP1 protein (p.Arg460Trp). This variant is present in population databases (no rsID available, gnomAD 0.004%). This variant has not been reported in the literature in individuals affected with TRAF3IP1-related conditions. ClinVar contains an entry for this variant (Variation ID: 1017500). Advanced modeling of protein sequence and biophysical properties (such as structural, functional, and spatial information, amino acid conservation, physicochemical variation, residue mobility, and thermodynamic stability) performed at Invitae indicates that this missense variant is expected to disrupt TRAF3IP1 protein function. In summary, the available evidence is currently insufficient to determine the role of this variant in disease. Therefore, it has been classified as a Variant of Uncertain Significance.

Blueprint Genetics
Classification: Uncertain significance. Last evaluated: 2022-01-03. Review status: criteria provided, single submitter. Criteria: ACMG Guidelines, 2015. Collection method: clinical testing. Allele origin: germline.